The following is an entry in ClinVar:

NM_003470.3(USP7):c.1256T>C (p.Ile419Thr)

Gene: USP7 (ubiquitin specific peptidase 7; minus strand). Cytogenetic location: 16p13.2.
Variant type: single nucleotide variant.
Coding change: c.1256T>C on transcript NM_003470.3 (MANE Select); coding-DNA position 1256, T replaced by C.
Protein change: p.Ile419Thr; replaces isoleucine 419 with threonine.
Molecular consequence: missense variant. On other transcripts: non-coding transcript variant (1).
Genome position (GRCh38, 1-based): chr16:8,908,356, A>G on the plus strand (T>C on the coding strand, the complement: USP7 is on the minus strand). VCF-style: chr16-8908356-A-G. GRCh37 (hg19) VCF-style: chr16-9002213-A-G.
Other names: c.1208T>C, p.Ile403Thr (NM_001286457.2); c.959T>C, p.Ile320Thr (NM_001286458.2); c.1082T>C, p.Ile361Thr (NM_001321858.2); short protein forms I320T, I361T, I403T, I419T.
Identifiers: ClinVar variation 3908000 (VCV003908000.1).

ClinVar aggregate classification (germline): Uncertain significance (1 of 4 stars; one submission).

Submission:

GeneDx
Classification: Uncertain significance. Last evaluated: 2024-12-24. Review status: criteria provided, single submitter. Criteria: GeneDx Variant Classification Process June 2021. Collection method: clinical testing. Allele origin: germline. Affected: yes.
Comment: Not observed at significant frequency in large population cohorts (gnomAD); In silico analysis supports that this missense variant has a deleterious effect on protein structure/function; Has not been previously published as pathogenic or benign to our knowledge